The following is an entry in ClinVar:

NM_000132.4(F8):c.881C>G (p.Thr294Arg)

Gene: F8 (coagulation factor VIII; minus strand). Cytogenetic location: Xq28.
Variant type: single nucleotide variant.
Coding change: c.881C>G on transcript NM_000132.4 (MANE Select); coding-DNA position 881, C replaced by G.
Protein change: p.Thr294Arg; replaces threonine 294 with arginine.
Molecular consequence: missense variant.
Genome position (GRCh38, 1-based): chrX:154,969,459, G>C on the plus strand (C>G on the coding strand, the complement: F8 is on the minus strand). VCF-style: chrX-154969459-G-C. GRCh37 (hg19) VCF-style: chrX-154197734-G-C.
Other names: short protein forms T294R.
Identifiers: ClinVar variation 2428659 (VCV002428659.4), dbSNP rs137852401, ClinGen allele CA414918087.
Genomic context (GRCh38, chrX:154,969,459, plus strand): 5'-GTAAGGAAAGTTATTGGCGAGATTTCCAAGGACGCCTGGCGATGGTTCCTCACAAGAAAT[G>C]TGTGACCTTCGAGGAATATTGAGTGCACTTCAGGAGTGGTGCCCATTCCAATCACATGCC-3'
Protein context (NP_000123.1, residues 284-304): EVHSIFLEGH[Thr294Arg]FLVRNHRQAS

ClinVar aggregate classification (germline): Likely pathogenic. Review status: criteria provided, multiple submitters, no conflicts (2 of 4 stars). 2 submissions from 2 submitters: Likely pathogenic (2). Last evaluated 2023-08-10.

Submissions (2):

GeneDx
Classification: Likely pathogenic. Last evaluated: 2023-08-10. Review status: criteria provided, single submitter. Criteria: GeneDx Variant Classification Process June 2021. Collection method: clinical testing. Allele origin: germline. Affected: yes.
Comment: Not observed at significant frequency in large population cohorts (gnomAD); In silico analysis supports that this missense variant has a deleterious effect on protein structure/function; This variant is associated with the following publications: (PMID: 29296726, 35770352, 28056528, 32897612, 8547094)

ARUP Laboratories, Molecular Genetics and Genomics, ARUP Laboratories
Classification: Likely pathogenic. Last evaluated: 2022-05-19. Review status: criteria provided, single submitter. Criteria: ARUP Molecular Germline Variant Investigation Process 2021. Collection method: clinical testing. Allele origin: germline.
Comment: The F8 c.881C>G; p.Thr294Arg variant is reported in the literature in an individual affected with hemophilia (Johnsen 2017). This variant is absent from the Genome Aggregation Database, indicating it is not a common polymorphism. The threonine at codon 294 is highly conserved, and computational analyses predict that this variant is deleterious (REVEL: 0.872). Additionally, another missense variant in the same codon, c.881C>T; p.Thr294Ile, has been described in several affected individuals and is considered pathogenic (Hua 2010, Schwaab 1995, Sirocova 2009). Based on available information, this variant is classified as likely pathogenic. References: Hua BL et al. Identification of seven novel mutations in the factor VIII gene in 18 unrelated Chinese patients with hemophilia A. Chin Med J (Engl). 2010 Feb 5;123(3):305-10. PMID: 20193250. Johnsen JM et al. Novel approach to genetic analysis and results in 3000 hemophilia patients enrolled in the My Life, Our Future initiative. Blood Adv. 2017 May 18;1(13):824-834. PMID: 29296726. Schwaab R et al. Characterization of mutations within the factor VIII gene of 73 unrelated mild and moderate haemophiliacs. Br J Haematol. 1995 Oct;91(2):458-64. PMID: 8547094. Sirocova N et al. Factor VIII mutations in 42 Moldovan haemophilia A families, including 12 that are novel. Haemophilia. 2009 Jul;15(4):942-51. PMID: 19473408.